The following is an entry in ClinVar:

ClinVar aggregate classification (germline): Uncertain significance (1 of 4 stars; one submission).

Allele frequency attached by ClinVar (database versions not stated): gnomAD exomes 0.00001 and 0.00007; TOPMed 0.00001; gnomAD 0.00002 and 0.00005; ExAC 0.00007; 1000 Genomes Project 0.00100; 1000 Genomes Project 30x 0.00109.

Submission:

Labcorp Genetics (formerly Invitae), Labcorp
Classification: Uncertain significance. Last evaluated: 2025-12-08. Review status: criteria provided, single submitter. Criteria: Invitae Variant Classification Sherloc (09022015). Collection method: clinical testing. Allele origin: germline.
Comment: This sequence change replaces leucine, which is neutral and non-polar, with phenylalanine, which is neutral and non-polar, at codon 167 of the GUCY2C protein (p.Leu167Phe). This variant is present in population databases (rs564844895, gnomAD 0.08%). This variant has not been reported in the literature in individuals affected with GUCY2C-related conditions. ClinVar contains an entry for this variant (Variation ID: 1473603). Invitae Evidence Modeling of protein sequence and biophysical properties (such as structural, functional, and spatial information, amino acid conservation, physicochemical variation, residue mobility, and thermodynamic stability) indicates that this missense variant is not expected to disrupt GUCY2C protein function with a negative predictive value of 80%. In summary, the available evidence is currently insufficient to determine the role of this variant in disease. Therefore, it has been classified as a Variant of Uncertain Significance.

NM_004963.4(GUCY2C):c.501G>T (p.Leu167Phe)

Genes: GUCY2C-AS1 (GUCY2C antisense RNA 1; plus strand), GUCY2C (guanylate cyclase 2C; minus strand). Cytogenetic location: 12p12.3.
Variant type: single nucleotide variant.
Coding change: c.501G>T on transcript NM_004963.4 (MANE Select); coding-DNA position 501, G replaced by T.
Protein change: p.Leu167Phe; replaces leucine 167 with phenylalanine.
Molecular consequence: missense variant.
Genome position (GRCh38, 1-based): chr12:14,683,152, C>A on the plus strand (G>T on the coding strand, the complement: GUCY2C is on the minus strand). VCF-style: chr12-14683152-C-A. GRCh37 (hg19) VCF-style: chr12-14836086-C-A.
Other names: short protein forms L167F.
Identifiers: ClinVar variation 1473603 (VCV001473603.10), dbSNP rs564844895, ClinGen allele CA6463731.